The following is an entry in ClinVar:

ClinVar aggregate classification (germline): Likely benign. Review status: criteria provided, multiple submitters, no conflicts (2 of 4 stars). 3 submissions from 3 submitters: Likely benign (2). 1 of the submissions does not count toward it. Last evaluated 2025-02-26.

Conditions:
Joubert syndrome 23 (JBTS23). Identifiers: Orphanet 475, MedGen C4084822, MONDO:0014664, OMIM 616490.
Short-rib thoracic dysplasia 14 with polydactyly (SRTD14). Identifiers: Orphanet 397715, MedGen C4225286, MONDO:0014688, OMIM 616546.
KIAA0586-related disorder. Also called: KIAA0586- Related disorders; KIAA0586-related condition.

Allele frequency attached by ClinVar (database versions not stated): gnomAD 0.00001 and 0.00003; TOPMed 0.00001; gnomAD exomes 0.00006 and 0.00012; 1000 Genomes Project 30x 0.00016; 1000 Genomes Project 0.00020; ExAC 0.00022.
gnomAD v4.1: 92 of 1,597,492 alleles (0.0058%); highest among the groups gnomAD compares: South Asian, 0.059%; no homozygotes.

Submissions (3):

Labcorp Genetics (formerly Invitae), Labcorp
Classification: Likely benign for Joubert syndrome 23; Short-rib thoracic dysplasia 14 with polydactyly. Last evaluated: 2025-02-26. Review status: criteria provided, single submitter. Criteria: Invitae Variant Classification Sherloc (09022015). Collection method: clinical testing. Allele origin: germline.

Blueprint Genetics
Classification: Likely benign. Last evaluated: 2024-10-18. Review status: criteria provided, single submitter. Criteria: ACMG Guidelines, 2015. Collection method: clinical testing. Allele origin: germline.

PreventionGenetics, part of Exact Sciences
Classification: Likely benign for KIAA0586-related condition. Last evaluated: 2019-05-23. Review status: no assertion criteria provided. Collection method: clinical testing. Allele origin: germline. Not counted in ClinVar's aggregate classification.
Comment: This variant is classified as likely benign based on ACMG/AMP sequence variant interpretation guidelines (Richards et al. 2015 PMID: 25741868, with internal and published modifications).

NM_001329943.3(KIAA0586):c.2028A>G (p.Pro676=)

Gene: KIAA0586 (KIAA0586; plus strand). Cytogenetic location: 14q23.1.
Variant type: single nucleotide variant.
Coding change: c.2028A>G on transcript NM_001329943.3 (MANE Select); coding-DNA position 2028, A replaced by G.
Protein change: p.Pro676=; no amino-acid change (proline 676 retained).
Molecular consequence: synonymous variant.
Genome position (GRCh38, 1-based): chr14:58,461,129, A>G. VCF-style: chr14-58461129-A-G. GRCh37 (hg19) VCF-style: chr14-58927847-A-G.
Other names: c.2187A>G, p.Pro729= (NM_001244189.2); c.1983A>G, p.Pro661= (NM_001244190.2); c.1773A>G, p.Pro591= (NM_001244191.2, NM_001329945.2, NM_001364700.1 and 1 more transcripts); c.1896A>G, p.Pro632= (NM_001244192.2); c.1608A>G, p.Pro536= (NM_001244193.2); c.2187A>G (NM_001244189.1); c.2028A>G, p.Pro676= (NM_001329944.2, NM_001329946.2, NM_001329947.2); c.1800A>G, p.Pro600= (NM_014749.5).
Identifiers: ClinVar variation 1588038 (VCV001588038.11), dbSNP rs559438142, ClinGen allele CA7205758.